The following is an entry in ClinVar:

NM_001267550.2(TTN):c.36286G>A (p.Glu12096Lys)

Gene: TTN (titin; minus strand). Cytogenetic location: 2q31.2.
Variant type: single nucleotide variant.
Coding change: c.36286G>A on transcript NM_001267550.2 (MANE Select); coding-DNA position 36286, G replaced by A.
Protein change: p.Glu12096Lys; replaces glutamic acid 12096 with lysine.
Molecular consequence: missense variant. On other transcripts: intron variant (5).
Genome position (GRCh38, 1-based): chr2:178,664,093, C>T on the plus strand (G>A on the coding strand, the complement: TTN is on the minus strand). VCF-style: chr2-178664093-C-T. GRCh37 (hg19) VCF-style: chr2-179528820-C-T.
Other names: c.13283-21776G>A (NM_003319.4); c.13859-21776G>A (NM_133437.4); c.13658-21776G>A (NM_133432.3); c.31484-1038G>A (NM_133378.4); c.34265-1038G>A (NM_001256850.1); short protein forms E12096K.
Identifiers: ClinVar variation 4537838 (VCV004537838.3).

ClinVar aggregate classification (germline): Conflicting classifications of pathogenicity. Review status: criteria provided, conflicting classifications (1 of 4 stars). 3 submissions from 3 submitters: Uncertain significance (2); Likely benign (1). Last evaluated 2026-06-24.

Conditions:
TTN-related disorder. Also called: TTN-related condition; TTN-related disease; TTN-related disorders.

gnomAD v4.1: 192 of 1,609,618 alleles (0.012%); highest among the groups gnomAD compares: Middle Eastern, 0.017%; 1 homozygote.

Submissions (3):

PreventionGenetics, part of Exact Sciences
Classification: Uncertain significance for TTN-related condition. Last evaluated: 2026-06-24. Review status: criteria provided, single submitter. Criteria: ACMG Guidelines, 2015. Collection method: clinical testing. Allele origin: germline.
Comment: The TTN c.36286G>A variant is predicted to result in the amino acid substitution p.Glu12096Lys. To our knowledge, this variant has not been reported in the literature. This variant is reported in 0.0065% of alleles in individuals of European (Non-Finnish) descent in gnomAD. Although we suspect that this variant may be benign, at this time, the clinical significance of this variant is uncertain due to the absence of conclusive functional and genetic evidence.

GeneDx
Classification: Uncertain significance. Last evaluated: 2025-06-09. Review status: criteria provided, single submitter. Criteria: GeneDx Variant Classification Process June 2021. Collection method: clinical testing. Allele origin: germline. Affected: yes.
Comment: Has not been previously published as pathogenic or benign to our knowledge; In silico analysis is inconclusive as to whether the variant alters gene splicing. In the absence of RNA/functional studies, the actual effect of this sequence change is unknown.; Missense variant in a gene in which most reported pathogenic variants are truncating/loss of function

Blueprint Genetics
Classification: Likely benign. Last evaluated: 2020-12-11. Review status: criteria provided, single submitter. Criteria: ACMG Guidelines, 2015. Collection method: clinical testing. Allele origin: germline.